The following is an entry in ClinVar:

ClinVar aggregate classification (germline): Pathogenic (1 of 4 stars; one submission).

Conditions:
Glycogen storage disease, type VII (GSD7). Also called: GSD VII; MUSCLE PHOSPHOFRUCTOKINASE DEFICIENCY; PFKM DEFICIENCY; TARUI DISEASE. Identifiers: Orphanet 371, MedGen C0017926, MONDO:0009295, OMIM 232800.

Submission:

Labcorp Genetics (formerly Invitae), Labcorp
Classification: Pathogenic for Glycogen storage disease, type VII. Last evaluated: 2023-12-16. Review status: criteria provided, single submitter. Criteria: Invitae Variant Classification Sherloc (09022015). Collection method: clinical testing. Allele origin: germline.
Comment: This sequence change creates a premature translational stop signal (p.Glu610Asnfs*7) in the PFKM gene. It is expected to result in an absent or disrupted protein product. Loss-of-function variants in PFKM are known to be pathogenic (PMID: 7825568, 8037209). This variant is not present in population databases (gnomAD no frequency). This variant has not been reported in the literature in individuals affected with PFKM-related conditions. For these reasons, this variant has been classified as Pathogenic.

Literature cited by the submitters: PubMed 7825568; PubMed 8037209.

NM_000289.6(PFKM):c.1827del (p.Glu610fs)

Gene: PFKM (phosphofructokinase, muscle; plus strand). Cytogenetic location: 12q13.11.
Variant type: Deletion.
Coding change: c.1827del on transcript NM_000289.6 (MANE Select); coding-DNA position 1827, one base deleted (T; older notation c.1827delT).
Protein change: p.Glu610fs; shifts the reading frame from glutamic acid 610.
Molecular consequence: frameshift variant. On other transcripts: non-coding transcript variant (6).
Genome position (GRCh38, 1-based): chr12:48,143,761, T deleted; the last of 2 consecutive T bases (chr12:48,143,760-48,143,761); deleting either gives the same sequence. VCF-style (leftmost placement, unchanged base first): chr12-48143759-GT-G. GRCh37 (hg19) VCF-style: chr12-48537542-GT-G.
Other names: c.2040del, p.Glu681fs (NM_001166686.2, NM_001354737.1, NM_001354738.1 and 1 more transcripts); c.1827del, p.Glu610fs (NM_001166687.2, NM_001166688.2, NM_001354742.2 and 2 more transcripts); c.2136del, p.Glu713fs (NM_001354735.1, NM_001354736.1); c.1971del, p.Glu658fs (NM_001354740.1); c.1851del, p.Glu618fs (NM_001354741.2); c.1740del, p.Glu581fs (NM_001354745.2); c.1701del, p.Glu568fs (NM_001354746.2); c.1677del, p.Glu560fs (NM_001354747.2, NM_001354748.2); and 1 more; short protein forms E579fs, E581fs, E658fs, E568fs, E681fs, E560fs, E610fs, E713fs.
Identifiers: ClinVar variation 2703596 (VCV002703596.3), dbSNP rs2498638969, ClinGen allele CA2697559240.
Genomic context (GRCh38, chr12:48,143,759, plus strand): 5'-TACCCAACCTTATCCATTCCCAGTTAGGCTTAGGATTTACTCTTTCATTTTCAGGCAAAT[GT>G]TGAACATCTGGTGCAAAAGATGAAAACAACTGTGAAAAGGGGCTTGGTGTTAAGGTACCT-3'